The following is an entry in ClinVar:

NM_006563.5(KLF1):c.772A>G (p.Ile258Val)

Genes: KLF1 (KLF transcription factor 1; minus strand), LOC117125591 (CRISPRi-FlowFISH-validated PRDX2 and RAD23A regulatory element; plus strand). Cytogenetic location: 19p13.13.
Variant type: single nucleotide variant.
Coding change: c.772A>G on transcript NM_006563.5 (MANE Select); coding-DNA position 772, A replaced by G.
Protein change: p.Ile258Val; replaces isoleucine 258 with valine.
Molecular consequence: missense variant.
Genome position (GRCh38, 1-based): chr19:12,885,458, T>C on the plus strand (A>G on the coding strand, the complement: KLF1 is on the minus strand). VCF-style: chr19-12885458-T-C. GRCh37 (hg19) VCF-style: chr19-12996272-T-C.
Other names: short protein forms I258V.
Identifiers: ClinVar variation 3649938 (VCV003649938.2).
Genomic context (GRCh38, chr19:12,885,458, plus strand): 5'-CTGCCTGCCTCTTGCGCGCCCACGAACGTCGGCCTCGCTTGGATGGCGCGGTCTCGGCTA[T>C]CACACCTGGATCCTCTGCAGTCCCCCCGAGTCCAGTGCCCACCGTCCCGGGTCCCAAACA-3'
Protein context (NP_006554.1, residues 248-268): LGGTAEDPGV[Ile258Val]AETAPSKRGR

ClinVar aggregate classification (germline): Uncertain significance (1 of 4 stars; one submission).

Submission:

Labcorp Genetics (formerly Invitae), Labcorp
Classification: Uncertain significance. Last evaluated: 2024-04-20. Review status: criteria provided, single submitter. Criteria: Invitae Variant Classification Sherloc (09022015). Collection method: clinical testing. Allele origin: germline.
Comment: This sequence change replaces isoleucine, which is neutral and non-polar, with valine, which is neutral and non-polar, at codon 258 of the KLF1 protein (p.Ile258Val). This variant is not present in population databases (gnomAD no frequency). This variant has not been reported in the literature in individuals affected with KLF1-related conditions. Advanced modeling of protein sequence and biophysical properties (such as structural, functional, and spatial information, amino acid conservation, physicochemical variation, residue mobility, and thermodynamic stability) performed at Invitae indicates that this missense variant is not expected to disrupt KLF1 protein function with a negative predictive value of 80%. In summary, the available evidence is currently insufficient to determine the role of this variant in disease. Therefore, it has been classified as a Variant of Uncertain Significance.